The following is an entry in ClinVar:

ClinVar aggregate classification (germline): Uncertain significance (1 of 4 stars; one submission).

Conditions:
Neurofibromatosis, type 1 (NF1). Also called: VON RECKLINGHAUSEN DISEASE; Neurofibromatosis, type I; Peripheral type neurofibromatosis; NEUROFIBROMATOSIS, TYPE I, SOMATIC. Identifiers: Orphanet 636, MedGen C0027831, MONDO:0018975, OMIM 162200. Disease mechanism: loss of function.

Submission:

Labcorp Genetics (formerly Invitae), Labcorp
Classification: Uncertain significance for Neurofibromatosis, type 1. Last evaluated: 2023-04-06. Review status: criteria provided, single submitter. Criteria: Invitae Variant Classification Sherloc (09022015). Collection method: clinical testing. Allele origin: germline.
Comment: In summary, the available evidence is currently insufficient to determine the role of this variant in disease. Therefore, it has been classified as a Variant of Uncertain Significance. This sequence change replaces glycine, which is neutral and non-polar, with alanine, which is neutral and non-polar, at codon 444 of the NF1 protein (p.Gly444Ala). This variant is not present in population databases (gnomAD no frequency). This variant has not been reported in the literature in individuals affected with NF1-related conditions. Advanced modeling of protein sequence and biophysical properties (such as structural, functional, and spatial information, amino acid conservation, physicochemical variation, residue mobility, and thermodynamic stability) performed at Invitae indicates that this missense variant is not expected to disrupt NF1 protein function.

NM_001042492.3(NF1):c.1331G>C (p.Gly444Ala)

Gene: NF1 (neurofibromin 1; plus strand). Cytogenetic location: 17q11.2.
Variant type: single nucleotide variant.
Coding change: c.1331G>C on transcript NM_001042492.3 (MANE Select); coding-DNA position 1331, G replaced by C.
Protein change: p.Gly444Ala; replaces glycine 444 with alanine.
Molecular consequence: missense variant.
Genome position (GRCh38, 1-based): chr17:31,206,310, G>C. VCF-style: chr17-31206310-G-C. GRCh37 (hg19) VCF-style: chr17-29533328-G-C.
Other names: c.1331G>C, p.Gly444Ala (NM_000267.4, NM_001128147.3); short protein forms G444A.
Identifiers: ClinVar variation 2852575 (VCV002852575.3), dbSNP rs1555611582, ClinGen allele CA398999515.